The following is an entry in ClinVar:

ClinVar aggregate classification (germline): Conflicting classifications of pathogenicity. Review status: criteria provided, conflicting classifications (1 of 4 stars). 4 submissions from 4 submitters: Uncertain significance (3); Likely benign (1). Last evaluated 2025-10-26.

Conditions:
Weill-Marchesani syndrome 2, dominant. Also called: FBN1-Related Weill-Marchesani Syndrome; Weill-Marchesani Syndrome, Autosomal Dominant. Identifiers: Orphanet 2084, MedGen C1869115, MONDO:0012013, OMIM 608328.
Progeroid and marfanoid aspect-lipodystrophy syndrome. Also called: MARFANOID-PROGEROID SYNDROME; MARFAN-PROGEROID-LIPODYSTROPHY SYNDROME; Marfan lipodystrophy syndrome; MARFANOID-PROGEROID-LIPODYSTROPHY SYNDROME. Identifiers: Orphanet 300382, MedGen C4310796, MONDO:0014831, OMIM 616914.
Acromicric dysplasia (ACMICD). Also called: Acromicric skeletal dysplasia. Identifiers: Orphanet 969, MedGen C0265287, MONDO:0007055, OMIM 102370.
Ectopia lentis 1, isolated, autosomal dominant (ECTOL1). Identifiers: Orphanet 1885, MedGen C3541518, MONDO:0007514, OMIM 129600.
Geleophysic dysplasia 2 (GPHYSD2). Identifiers: Orphanet 2623, MedGen C3280054, MONDO:0013612, OMIM 614185.
Marfan syndrome (MFS). Also called: Marfan syndrome, classic; Marfan syndrome type 1; Marfan's syndrome; FBN1-Related Marfan Syndrome; MARFAN SYNDROME, TYPE I. Identifiers: Orphanet 284963, Orphanet 558, MedGen C0024796, MONDO:0007947, OMIM 154700.
MASS syndrome (OCTD). Also called: OVERLAP CONNECTIVE TISSUE DISEASE; MASS PHENOTYPE. Identifiers: MedGen C1858556, MONDO:0011431, OMIM 604308.
Stiff skin syndrome (SSKS). Identifiers: Orphanet 2833, MedGen C1861456, MONDO:0008492, OMIM 184900.
Familial thoracic aortic aneurysm and aortic dissection (TAAD). Also called: Thoracic aortic aneurysms and dissections. Identifiers: Orphanet 91387, MedGen C4707243, MONDO:0019625.

Allele frequency attached by ClinVar (database versions not stated): ExAC 0.00004; gnomAD 0.00003; gnomAD exomes 0.00002; TOPMed 0.00002.
gnomAD v4.1: 14 of 1,613,614 alleles (0.00087%); highest among the groups gnomAD compares: African/African-American, 0.0013%; no homozygotes.

Submissions (4):

Labcorp Genetics (formerly Invitae), Labcorp
Classification: Likely benign for Marfan syndrome; Familial thoracic aortic aneurysm and aortic dissection. Last evaluated: 2025-10-26. Review status: criteria provided, single submitter. Criteria: Invitae Variant Classification Sherloc (09022015). Collection method: clinical testing. Allele origin: germline.

All of Us Research Program, National Institutes of Health
Classification: Uncertain significance for Marfan syndrome. Last evaluated: 2024-07-29. Review status: criteria provided, single submitter. Criteria: ACMG Guidelines, 2015. Collection method: clinical testing. Allele origin: germline. Inheritance: Autosomal dominant inheritance. Observed: 3 variant alleles, 3 heterozygotes.
Comment: This missense variant replaces leucine with phenylalanine at codon 583 of the FBN1 protein. Computational prediction suggests that this variant may not impact protein structure and function (internally defined REVEL score threshold <= 0.5, PMID: 27666373). Splice site prediction tools suggest that this variant may not impact RNA splicing. To our knowledge, functional studies have not been performed for this variant. This variant has not been reported in individuals affected with cardiovascular disorders in the literature. This variant has been identified in 6/251224 chromosomes in the general population by the Genome Aggregation Database (gnomAD). The available evidence is insufficient to determine the role of this variant in disease conclusively. Therefore, this variant is classified as a Variant of Uncertain Significance.

This study involves interpretation of variants in research participants for the purpose of population health screening. Participant phenotype was not available at the time of variant classification. Additional details can be found in publication PMID: 35346344, PMCID: PMC8962531

Color Diagnostics, LLC DBA Color Health
Classification: Uncertain significance for Familial thoracic aortic aneurysm and aortic dissection. Last evaluated: 2024-07-18. Review status: criteria provided, single submitter. Criteria: ACMG Guidelines, 2015. Collection method: clinical testing. Allele origin: germline.
Comment: This missense variant replaces leucine with phenylalanine at codon 583 of the FBN1 protein. Computational prediction suggests that this variant may not impact protein structure and function. To our knowledge, functional studies have not been reported for this variant. This variant has not been reported in individuals affected with FBN1-related disorders in the literature. This variant has been identified in 6/251224 chromosomes in the general population by the Genome Aggregation Database (gnomAD). The available evidence is insufficient to determine the role of this variant in disease conclusively. Therefore, this variant is classified as a Variant of Uncertain Significance.

Fulgent Genetics
Classification: Uncertain significance for Acromicric dysplasia; Ectopia lentis 1, isolated, autosomal dominant; Marfan syndrome; Stiff skin syndrome; MASS syndrome; Weill-Marchesani syndrome 2, dominant; Geleophysic dysplasia 2; Progeroid and marfanoid aspect-lipodystrophy syndrome. Last evaluated: 2021-09-16. Review status: criteria provided, single submitter. Criteria: ACMG Guidelines, 2015. Collection method: clinical testing. Allele origin: unknown.

NM_000138.5(FBN1):c.1747C>T (p.Leu583Phe)

Gene: FBN1 (fibrillin 1; minus strand). Cytogenetic location: 15q21.1.
Variant type: single nucleotide variant.
Coding change: c.1747C>T on transcript NM_000138.5 (MANE Select); coding-DNA position 1747, C replaced by T.
Protein change: p.Leu583Phe; replaces leucine 583 with phenylalanine.
Molecular consequence: missense variant.
Genome position (GRCh38, 1-based): chr15:48,508,672, G>A on the plus strand (C>T on the coding strand, the complement: FBN1 is on the minus strand). VCF-style: chr15-48508672-G-A. GRCh37 (hg19) VCF-style: chr15-48800869-G-A.
Other names: short protein forms L583F.
Identifiers: ClinVar variation 926962 (VCV000926962.12), dbSNP rs767293952, ClinGen allele CA045849.